The following is an entry in ClinVar:

ClinVar aggregate classification (germline): Likely pathogenic (1 of 4 stars; one submission).

Conditions:
Very long chain acyl-CoA dehydrogenase deficiency (ACADVLD). Also called: VLCAD Deficiency; Very Long-Chain Acyl-Coenzyme A Dehydrogenase Deficiency. Identifiers: Orphanet 26793, MedGen C3887523, MONDO:0008723, OMIM 201475.

Submission:

Labcorp Genetics (formerly Invitae), Labcorp
Classification: Likely pathogenic for Very long chain acyl-CoA dehydrogenase deficiency. Last evaluated: 2022-12-06. Review status: criteria provided, single submitter. Criteria: Invitae Variant Classification Sherloc (09022015). Collection method: clinical testing. Allele origin: germline.
Comment: In summary, the currently available evidence indicates that the variant is pathogenic, but additional data are needed to prove that conclusively. Therefore, this variant has been classified as Likely Pathogenic. This variant disrupts the p.Leu125 amino acid residue in ACADVL. Other variant(s) that disrupt this residue have been determined to be pathogenic (Invitae). This suggests that this residue is clinically significant, and that variants that disrupt this residue are likely to be disease-causing. Advanced modeling of protein sequence and biophysical properties (such as structural, functional, and spatial information, amino acid conservation, physicochemical variation, residue mobility, and thermodynamic stability) performed at Invitae indicates that this missense variant is expected to disrupt ACADVL protein function. This variant has not been reported in the literature in individuals affected with ACADVL-related conditions. This variant is not present in population databases (gnomAD no frequency). This sequence change replaces leucine, which is neutral and non-polar, with valine, which is neutral and non-polar, at codon 125 of the ACADVL protein (p.Leu125Val).

NM_000018.4(ACADVL):c.373C>G (p.Leu125Val)

Gene: ACADVL (acyl-CoA dehydrogenase very long chain; plus strand). Cytogenetic location: 17p13.1.
Variant type: single nucleotide variant.
Coding change: c.373C>G on transcript NM_000018.4 (MANE Select); coding-DNA position 373, C replaced by G.
Protein change: p.Leu125Val; replaces leucine 125 with valine.
Molecular consequence: missense variant.
Genome position (GRCh38, 1-based): chr17:7,220,954, C>G. VCF-style: chr17-7220954-C-G. GRCh37 (hg19) VCF-style: chr17-7124273-C-G.
Other names: c.307C>G, p.Leu103Val (NM_001033859.3); c.442C>G, p.Leu148Val (NM_001270447.2); c.145C>G, p.Leu49Val (NM_001270448.2); short protein forms L103V, L49V, L148V, L125V.
Identifiers: ClinVar variation 2818925 (VCV002818925.1), dbSNP rs1454430871, ClinGen allele CA397722764.